The following is an entry in ClinVar:

NM_020919.4(ALS2):c.4763C>T (p.Ala1588Val)

Gene: ALS2 (alsin Rho guanine nucleotide exchange factor ALS2; minus strand). Cytogenetic location: 2q33.1.
Variant type: single nucleotide variant.
Coding change: c.4763C>T on transcript NM_020919.4 (MANE Select); coding-DNA position 4763, C replaced by T.
Protein change: p.Ala1588Val; replaces alanine 1588 with valine.
Molecular consequence: missense variant.
Genome position (GRCh38, 1-based): chr2:201,704,529, G>A on the plus strand (C>T on the coding strand, the complement: ALS2 is on the minus strand). VCF-style: chr2-201704529-G-A. GRCh37 (hg19) VCF-style: chr2-202569252-G-A.
Other names: short protein forms A1588V.
Identifiers: ClinVar variation 849081 (VCV000849081.10), dbSNP rs540726634, ClinGen allele CA2057486.

ClinVar aggregate classification (germline): Uncertain significance (1 of 4 stars; one submission).

Conditions:
Infantile-onset ascending hereditary spastic paralysis (IAHSP). Also called: Infantile-Onset Ascending Hereditary Spastic Paralysis (IAHSP); Autosomal Recessive Juvenile Amyotrophic Lateral Sclerosis. Identifiers: Orphanet 293168, MedGen C2931441, MONDO:0011797, OMIM 607225. Disease mechanism: loss of function.

Allele frequency attached by ClinVar (database versions not stated): TOPMed below 0.00001; gnomAD 0.00001 and 0.00002; ExAC 0.00002; gnomAD exomes 0.00002 and 0.00003; 1000 Genomes Project 30x 0.00016; 1000 Genomes Project 0.00020.

Submission:

Labcorp Genetics (formerly Invitae), Labcorp
Classification: Uncertain significance for Infantile-onset ascending hereditary spastic paralysis. Last evaluated: 2025-06-30. Review status: criteria provided, single submitter. Criteria: Invitae Variant Classification Sherloc (09022015). Collection method: clinical testing. Allele origin: germline.
Comment: This sequence change replaces alanine, which is neutral and non-polar, with valine, which is neutral and non-polar, at codon 1588 of the ALS2 protein (p.Ala1588Val). The frequency data for this variant in the population databases is considered unreliable, as metrics indicate poor data quality at this position in the gnomAD database. This missense change has been observed in individual(s) with amyotrophic lateral sclerosis (PMID: 37952009). ClinVar contains an entry for this variant (Variation ID: 849081). Invitae Evidence Modeling of protein sequence and biophysical properties (such as structural, functional, and spatial information, amino acid conservation, physicochemical variation, residue mobility, and thermodynamic stability) indicates that this missense variant is not expected to disrupt ALS2 protein function with a negative predictive value of 80%. In summary, the available evidence is currently insufficient to determine the role of this variant in disease. Therefore, it has been classified as a Variant of Uncertain Significance.

Literature cited by the submitters: PubMed 37952009.